The following is an entry in ClinVar:

NM_005477.3(HCN4):c.2275G>A (p.Val759Ile)

Gene: HCN4 (hyperpolarization activated cyclic nucleotide gated potassium channel 4; minus strand). Cytogenetic location: 15q24.1.
Variant type: single nucleotide variant.
Coding change: c.2275G>A on transcript NM_005477.3 (MANE Select); coding-DNA position 2275, G replaced by A.
Protein change: p.Val759Ile; replaces valine 759 with isoleucine.
Molecular consequence: missense variant.
Genome position (GRCh38, 1-based): chr15:73,323,818, C>T on the plus strand (G>A on the coding strand, the complement: HCN4 is on the minus strand). VCF-style: chr15-73323818-C-T. GRCh37 (hg19) VCF-style: chr15-73616159-C-T.
Other names: p.V759I:GTC>ATC; short protein forms V759I.
Identifiers: ClinVar variation 190772 (VCV000190772.67), dbSNP rs62641689, ClinGen allele CA235701.

ClinVar aggregate classification (germline): Conflicting classifications of pathogenicity. Review status: criteria provided, conflicting classifications (1 of 4 stars). 20 submissions from 20 submitters: Uncertain significance (1); Benign (6); Likely benign (8). 5 of the submissions do not count toward it. Last evaluated 2026-02-04.

Conditions:
Cardiovascular phenotype. Identifiers: MedGen CN230736.
Sudden cardiac death (SCD). Also called: Sudden adult death syndrome. Identifiers: MedGen C0085298, MeSH D016757, HP:0001645.
Sick sinus syndrome 2, autosomal dominant (SSS2). Also called: SICK SINUS SYNDROME 2; SICK SINUS SYNDROME 2 WITH OR WITHOUT CARDIAC NONCOMPACTION AND/OR ASCENDING AORTA DILATION; ATRIAL FIBRILLATION WITH BRADYARRHYTHMIA; SINUS BRADYCARDIA SYNDROME, FAMILIAL, AUTOSOMAL DOMINANT; SINUS NODE DISEASE, FAMILIAL, AUTOSOMAL DOMINANT. Identifiers: Orphanet 166282, MedGen C1834144, MONDO:0008102, OMIM 163800.
Brugada syndrome 8 (BRGDA8). Identifiers: Orphanet 130, MedGen C2751083, MONDO:0013148, OMIM 613123.

Allele frequency attached by ClinVar (database versions not stated): 1000 Genomes Project 0.00140; 1000 Genomes Project 30x 0.00203; ESP Exome Variant Server 0.00231; TOPMed 0.00237; gnomAD 0.00258; gnomAD exomes 0.00316 and 0.00413; ExAC 0.00353.
gnomAD v4.1: 6,318 of 1,606,484 alleles (0.39%); highest among the groups gnomAD compares: Non-Finnish European, 0.48%; 22 homozygotes.

Submissions (20):

Labcorp Genetics (formerly Invitae), Labcorp
Classification: Benign for Brugada syndrome 8. Last evaluated: 2026-02-04. Review status: criteria provided, single submitter. Criteria: Invitae Variant Classification Sherloc (09022015). Collection method: clinical testing. Allele origin: germline.

Mayo Clinic Laboratories, Mayo Clinic
Classification: Likely benign. Last evaluated: 2025-04-08. Review status: criteria provided, single submitter. Criteria: ACMG Guidelines, 2015. Collection method: clinical testing. Allele origin: germline. Observed: 8 variant alleles.
Comment: BS1, BS2, BS3_supporting, BP4_moderate

Molecular Diagnostic Laboratory for Inherited Cardiovascular Disease, Montreal Heart Institute
Classification: Likely benign. Last evaluated: 2025-04-08. Review status: criteria provided, single submitter. Criteria: ACMG Guidelines, 2015. Collection method: clinical testing. Allele origin: germline. Affected: no.

Blueprint Genetics
Classification: Likely benign. Last evaluated: 2024-11-13. Review status: criteria provided, single submitter. Criteria: ACMG Guidelines, 2015. Collection method: clinical testing. Allele origin: germline.

CeGaT Center for Human Genetics Tuebingen
Classification: Likely benign. Last evaluated: 2024-09-01. Review status: criteria provided, single submitter. Criteria: CeGaT Center For Human Genetics Tuebingen Variant Classification Criteria Version 2. Collection method: clinical testing. Allele origin: germline. Affected: yes. Observed: 2 variant alleles.
Comment: HCN4: BP4, BS2

Scripps Translational Science Institute, Scripps Health and The Scripps Research Institute
Classification: Uncertain significance for Sudden cardiac death. Last evaluated: 2023-12-04. Review status: criteria provided, single submitter. Criteria: STSI Molecular Autopsy Criteria. Collection method: research. Allele origin: de novo. Affected: yes. Observed: 1 variant allele. Study: Molecular Autopsy.
Comment: De-novo mutation in family-based sequencing.

ARUP Laboratories, Molecular Genetics and Genomics, ARUP Laboratories
Classification: Likely benign. Last evaluated: 2023-09-06. Review status: criteria provided, single submitter. Criteria: ARUP Molecular Germline Variant Investigation Process 2024. Collection method: clinical testing. Allele origin: germline.

Women's Health and Genetics/Laboratory Corporation of America, LabCorp
Classification: Benign. Last evaluated: 2023-02-17. Review status: criteria provided, single submitter. Criteria: LabCorp Variant Classification Summary - May 2015. Collection method: clinical testing. Allele origin: germline.
Comment: Variant summary: HCN4 c.2275G>A (p.Val759Ile) results in a conservative amino acid change in the encoded protein sequence. Five of five in-silico tools predict a benign effect of the variant on protein function. The variant allele was found at a frequency of 0.0032 in 243780 control chromosomes in the gnomAD database, including 7 homozygotes. The observed variant frequency is approximately 303 fold of the estimated maximal expected allele frequency for a pathogenic variant in HCN4 causing Sick Sinus Syndrome 2 phenotype (1e-05), strongly suggesting that the variant is benign. To our knowledge, no experimental evidence demonstrating its impact on protein function have been reported. Nine ClinVar submitters (evaluation after 2014) cite this variant as benign (n=6), likely benign (n=2) and likely pathogenic (n=1). Based on the evidence outlined above, the variant was classified as benign.

Ambry Genetics
Classification: Likely benign for Cardiovascular phenotype. Last evaluated: 2021-11-09. Review status: criteria provided, single submitter. Criteria: Ambry Variant Classification Scheme 2023. Collection method: clinical testing. Allele origin: germline.

GeneDx
Classification: Benign. Last evaluated: 2019-05-30. Review status: criteria provided, single submitter. Criteria: GeneDx Variant Classification Process June 2021. Collection method: clinical testing. Allele origin: germline. Affected: yes.
Comment: This variant is associated with the following publications: (PMID: 30452770, 25467552, 25145517, 23623143, 21615589, 26179811, 30578647, 31043699, 33095298)

Athena Diagnostics
Classification: Benign. Last evaluated: 2019-04-04. Review status: criteria provided, single submitter. Criteria: Athena Diagnostics Criteria. Collection method: clinical testing. Allele origin: germline.

Illumina Laboratory Services, Illumina
Classification: Benign for Sick sinus syndrome 2, autosomal dominant. Last evaluated: 2018-03-29. Review status: criteria provided, single submitter. Criteria: ICSL Variant Classification Criteria 13 December 2019. Collection method: clinical testing. Allele origin: germline.
Comment: This variant was observed as part of a predisposition screen in an ostensibly healthy population. A literature search was performed for the gene, cDNA change, and amino acid change (where applicable). No publications were found based on this search. Allele frequency data from public databases was too high to be consistent with this variant causing disease. Therefore, this variant is classified as benign.

Laboratory for Molecular Medicine, Mass General Brigham Personalized Medicine
Classification: Likely benign. Last evaluated: 2016-04-25. Review status: criteria provided, single submitter. Criteria: LMM Criteria. Collection method: clinical testing. Allele origin: germline.
Comment: Variant identified in a genome or exome case(s) and assessed due to predicted null impact of the variant or pathogenic assertions in the literature or databases. Disclaimer: This variant has not undergone full assessment. The following are preliminary notes: ExAC: 0.5% (358/65892) Europeans, 3 homozygotes

Eurofins Ntd Llc (ga)
Classification: Benign. Last evaluated: 2015-07-23. Review status: criteria provided, single submitter. Criteria: EGL Classification Definitions 2015. Collection method: clinical testing. Allele origin: germline. Observed: 2 variant alleles, 2 heterozygotes.

Biesecker Lab/Clinical Genomics Section, National Institutes of Health
Classification: Likely benign. Last evaluated: 2013-06-24. Review status: criteria provided, single submitter. Criteria: Ng et al. (Circ Cardiovasc Genet. 2013). Collection method: research. Allele origin: unknown. Observed: 4 variant alleles. Study: ClinSeq.
Comment: The study set was not selected for affection status in relation to any cancer. Pathogenicity categories were based on literature curation. See Pubmed ID:23861362 for details.

Medical sequencing

Clinical Genetics DNA and cytogenetics Diagnostics Lab, Erasmus MC, Erasmus Medical Center
Classification: Likely benign. Review status: no assertion criteria provided. Collection method: clinical testing. Allele origin: germline. Affected: yes. Study: VKGL Data-share Consensus. Not counted in ClinVar's aggregate classification.

Clinical Genetics, Academic Medical Center
Classification: Benign. Review status: no assertion criteria provided. Collection method: clinical testing. Allele origin: germline. Affected: yes. Study: VKGL Data-share Consensus. Not counted in ClinVar's aggregate classification.

Diagnostic Laboratory, Department of Genetics, University Medical Center Groningen
Classification: Likely benign. Review status: no assertion criteria provided. Collection method: clinical testing. Allele origin: germline. Affected: yes. Study: VKGL Data-share Consensus. Not counted in ClinVar's aggregate classification.

Genome Diagnostics Laboratory, University Medical Center Utrecht
Classification: Likely benign. Review status: no assertion criteria provided. Collection method: clinical testing. Allele origin: germline. Affected: yes. Study: VKGL Data-share Consensus. Not counted in ClinVar's aggregate classification.

Joint Genome Diagnostic Labs from Nijmegen and Maastricht, Radboudumc and MUMC+
Classification: Benign. Review status: no assertion criteria provided. Collection method: clinical testing. Allele origin: germline. Affected: yes. Study: VKGL Data-share Consensus. Not counted in ClinVar's aggregate classification.

Literature cited by the submitters: PubMed 21615589 (cited by Mayo Clinic Laboratories, Mayo Clinic and Athena Diagnostics); PubMed 23623143 (cited by Mayo Clinic Laboratories, Mayo Clinic and Athena Diagnostics); PubMed 31043699 (cited by Mayo Clinic Laboratories, Mayo Clinic); PubMed 31847883 (cited by Mayo Clinic Laboratories, Mayo Clinic); PubMed 33095298 (cited by Mayo Clinic Laboratories, Mayo Clinic); PubMed 36011376 (cited by Mayo Clinic Laboratories, Mayo Clinic); PubMed 25145517 (cited by Athena Diagnostics); PubMed 25467552 (cited by Athena Diagnostics).